The following is an entry in ClinVar:

NM_004393.6(DAG1):c.1205G>A (p.Arg402His)

Gene: DAG1 (dystroglycan 1; plus strand). Cytogenetic location: 3p21.31.
Variant type: single nucleotide variant.
Coding change: c.1205G>A on transcript NM_004393.6 (MANE Select); coding-DNA position 1205, G replaced by A.
Protein change: p.Arg402His; replaces arginine 402 with histidine.
Molecular consequence: missense variant.
Genome position (GRCh38, 1-based): chr3:49,531,716, G>A. VCF-style: chr3-49531716-G-A. GRCh37 (hg19) VCF-style: chr3-49569149-G-A.
Other names: c.1205G>A, p.Arg402His (NM_001165928.4, NM_001177634.3, NM_001177635.3 and 9 more transcripts); c.1205G>A (NM_004393.4); short protein forms R402H.
Identifiers: ClinVar variation 595933 (VCV000595933.11), dbSNP rs537829489, ClinGen allele CA2399032.

ClinVar aggregate classification (germline): Uncertain significance. Review status: criteria provided, multiple submitters, no conflicts (2 of 4 stars). 4 submissions from 4 submitters: Uncertain significance (4). Last evaluated 2023-06-27.

Conditions:
Inborn genetic diseases. Identifiers: MedGen C0950123, MeSH D030342.
Autosomal recessive limb-girdle muscular dystrophy type 2P. Also called: MUSCULAR DYSTROPHY-DYSTROGLYCANOPATHY, LIMB-GIRDLE, DAG1-RELATED; MUSCULAR DYSTROPHY, LIMB-GIRDLE, TYPE 2P; Limb-Girdle Muscular Dystrophy Type 9C. Identifiers: Orphanet 280333, MedGen C4511963, MONDO:0013440, OMIM 613818.
Muscular dystrophy-dystroglycanopathy (congenital with brain and eye anomalies), type A9. Also called: WALKER-WARBURG SYNDROME OR MUSCLE-EYE BRAIN DISEASE, DAG1-RELATED; Muscular dystrophy-dystroglycanopathy (congenital with brain and eye anomalies), type a, 9. Identifiers: Orphanet 370997, Orphanet 899, MedGen C4225291, MONDO:0014683, OMIM 616538.

Allele frequency attached by ClinVar (database versions not stated): TOPMed 0.00005.
gnomAD v4.1: 37 of 1,613,466 alleles (0.0023%); highest among the groups gnomAD compares: Non-Finnish European, 0.003%; no homozygotes.

Submissions (4):

Revvity Omics, Revvity
Classification: Uncertain significance. Last evaluated: 2023-06-27. Review status: criteria provided, single submitter. Criteria: ACMG Guidelines, 2015. Collection method: clinical testing. Allele origin: germline.

Ambry Genetics
Classification: Uncertain significance for Inborn genetic diseases. Last evaluated: 2022-08-30. Review status: criteria provided, single submitter. Criteria: Ambry Variant Classification Scheme 2023. Collection method: clinical testing. Allele origin: germline.

Labcorp Genetics (formerly Invitae), Labcorp
Classification: Uncertain significance for Autosomal recessive limb-girdle muscular dystrophy type 2P; Muscular dystrophy-dystroglycanopathy (congenital with brain and eye anomalies), type A9. Last evaluated: 2021-08-30. Review status: criteria provided, single submitter. Criteria: Invitae Variant Classification Sherloc (09022015). Collection method: clinical testing. Allele origin: germline.
Comment: This sequence change replaces arginine with histidine at codon 402 of the DAG1 protein (p.Arg402His). The arginine residue is moderately conserved and there is a small physicochemical difference between arginine and histidine. This variant is present in population databases (rs537829489, ExAC 0.003%). This variant has not been reported in the literature in individuals affected with DAG1-related conditions. ClinVar contains an entry for this variant (Variation ID: 595933). Algorithms developed to predict the effect of missense changes on protein structure and function (SIFT, PolyPhen-2, Align-GVGD) all suggest that this variant is likely to be tolerated. In summary, the available evidence is currently insufficient to determine the role of this variant in disease. Therefore, it has been classified as a Variant of Uncertain Significance.

Eurofins Ntd Llc (ga)
Classification: Uncertain significance. Last evaluated: 2018-02-06. Review status: criteria provided, single submitter. Criteria: EGL Classification Definitions 2015. Collection method: clinical testing. Allele origin: germline. Observed: 1 variant allele, 1 heterozygote.